The following is an entry in ClinVar:

ClinVar aggregate classification (germline): Likely benign (0 of 4 stars; one submission).

Conditions:
NHERF1-related disorder. Also called: NHERF1-related condition.

gnomAD v4.1: 6 of 1,613,710 alleles (0.00037%); highest among the groups gnomAD compares: Middle Eastern, 0.017%; no homozygotes.

Submission:

PreventionGenetics, part of Exact Sciences
Classification: Likely benign for NHERF1-related condition. Last evaluated: 2021-12-08. Review status: no assertion criteria provided. Collection method: clinical testing. Allele origin: germline.
Comment: This variant is classified as likely benign based on ACMG/AMP sequence variant interpretation guidelines (Richards et al. 2015 PMID: 25741868, with internal and published modifications).

NM_004252.5(NHERF1):c.855G>A (p.Leu285=)

Gene: NHERF1 (NHERF family PDZ scaffold protein 1; plus strand). Cytogenetic location: 17q25.1.
Variant type: single nucleotide variant.
Coding change: c.855G>A on transcript NM_004252.5 (MANE Select); coding-DNA position 855, G replaced by A.
Protein change: p.Leu285=; no amino-acid change (leucine 285 retained).
Molecular consequence: synonymous variant.
Genome position (GRCh38, 1-based): chr17:74,768,203, G>A. VCF-style: chr17-74768203-G-A. GRCh37 (hg19) VCF-style: chr17-72764342-G-A.
Identifiers: ClinVar variation 3059221 (VCV003059221.2), dbSNP rs1477252677, ClinGen allele CA501761741.
Genomic context (GRCh38, chr17:74,768,203, plus strand): 5'-CCAGGAGAACAGTCGTGAAGCCCTGGCAGAGGCAGCCTTGGAGAGCCCCAGGCCAGCCCT[G>A]GTGAGATCCGCCTCCAGTGACACCAGCGAGGAGGTAGGCCAGCCATGCGGGGGGTGGCAA-3'
Protein context (NP_004243.1, residues 275-295): EAALESPRPA[Leu285=]VRSASSDTSE